The following is an entry in ClinVar:

ClinVar aggregate classification (germline): Benign/Likely benign. Review status: criteria provided, multiple submitters, no conflicts (2 of 4 stars). 2 submissions from 2 submitters: Benign (1); Likely benign (1). Last evaluated 2024-11-22.

Conditions:
Hereditary diffuse gastric adenocarcinoma (HDGC). Also called: DIFFUSE GASTRIC AND LOBULAR BREAST CANCER SYNDROME. Identifiers: Orphanet 26106, MedGen C1708349, MONDO:0007648, OMIM 137215.
Hereditary cancer-predisposing syndrome. Also called: Hereditary Cancer Syndrome; Hereditary neoplastic syndrome; Neoplastic Syndromes, Hereditary; Tumor predisposition. Identifiers: Orphanet 140162, MedGen C0027672, MeSH D009386, MONDO:0015356.

gnomAD v4.1: 1 of 1,613,824 alleles (0.000062%); highest among the groups gnomAD compares: African/African-American, 0.0013%; no homozygotes.

Submissions (2):

Ambry Genetics
Classification: Likely benign for Hereditary cancer-predisposing syndrome. Last evaluated: 2024-11-22. Review status: criteria provided, single submitter. Criteria: Ambry Variant Classification Scheme 2023. Collection method: clinical testing. Allele origin: germline.

Myriad Genetics, Inc.
Classification: Benign for Hereditary diffuse gastric adenocarcinoma. Last evaluated: 2024-10-10. Review status: criteria provided, single submitter. Criteria: Myriad Autosomal Dominant, Autosomal Recessive and X-Linked Classification Criteria (2023). Collection method: clinical testing. Allele origin: unknown.
Comment: This variant is considered benign. This variant is a silent/synonymous amino acid change and it is not expected to impact splicing.

NM_001903.5(CTNNA1):c.519A>G (p.Leu173=)

Gene: CTNNA1 (catenin alpha 1; plus strand). Cytogenetic location: 5q31.2.
Variant type: single nucleotide variant.
Coding change: c.519A>G on transcript NM_001903.5 (MANE Select); coding-DNA position 519, A replaced by G.
Protein change: p.Leu173=; no amino-acid change (leucine 173 retained).
Molecular consequence: synonymous variant.
Genome position (GRCh38, 1-based): chr5:138,812,233, A>G. VCF-style: chr5-138812233-A-G. GRCh37 (hg19) VCF-style: chr5-138147922-A-G.
Other names: c.519A>G, p.Leu173= (NM_001290307.3, NM_001323982.2, NM_001323983.1 and 3 more transcripts); c.210A>G, p.Leu70= (NM_001290309.3); c.150A>G, p.Leu50= (NM_001290310.3).
Identifiers: ClinVar variation 3498275 (VCV003498275.2).
Genomic context (GRCh38, chr5:138,812,233, plus strand): 5'-TATTTTATAGGTGGAAGATGGTATCTTGAAGTTGAGGAATGCTGGCAATGAACAAGACTT[A>G]GGAATCCAGTATAAAGCCCTAAAACCTGAAGTGGATAAGCTGAACATTATGGCAGCCAAA-3'
Protein context (NP_001894.2, residues 163-183): KLRNAGNEQD[Leu173=]GIQYKALKPE